The following is an entry in ClinVar:

NM_000038.6(APC):c.2969A>T (p.Asp990Val)

Gene: APC (APC regulator of Wnt signaling pathway; plus strand). Cytogenetic location: 5q22.2.
Variant type: single nucleotide variant.
Coding change: c.2969A>T on transcript NM_000038.6 (MANE Select); coding-DNA position 2969, A replaced by T.
Protein change: p.Asp990Val; replaces aspartic acid 990 with valine.
Molecular consequence: missense variant.
Genome position (GRCh38, 1-based): chr5:112,838,563, A>T. VCF-style: chr5-112838563-A-T. GRCh37 (hg19) VCF-style: chr5-112174260-A-T.
Other names: c.2969A>T, p.Asp990Val (NM_001127510.3, NM_001354895.2, NM_001407450.1); c.2915A>T, p.Asp972Val (NM_001127511.3); c.3023A>T, p.Asp1008Val (NM_001354896.2, NM_001407447.1, NM_001407448.1 and 1 more transcripts); c.2999A>T, p.Asp1000Val (NM_001354897.2); c.2894A>T, p.Asp965Val (NM_001354898.2); c.2885A>T, p.Asp962Val (NM_001354899.2); c.2846A>T, p.Asp949Val (NM_001354900.2); c.2792A>T, p.Asp931Val (NM_001354901.2, NM_001407453.1); and 11 more; short protein forms D1000V, D830V, D889V, D907V, D931V, D965V, D972V, D707V.
Identifiers: ClinVar variation 1798248 (VCV001798248.4), dbSNP rs1580629403, ClinGen allele CA16027821.

ClinVar aggregate classification (germline): Uncertain significance. Review status: criteria provided, multiple submitters, no conflicts (2 of 4 stars). 2 submissions from 2 submitters: Uncertain significance (2). Last evaluated 2024-06-25.

Conditions:
Hereditary cancer-predisposing syndrome. Also called: Neoplastic Syndromes, Hereditary; Tumor predisposition; Hereditary Cancer Syndrome; Hereditary neoplastic syndrome. Identifiers: Orphanet 140162, MedGen C0027672, MeSH D009386, MONDO:0015356.
Familial adenomatous polyposis 1 (FAP1). Also called: POLYPOSIS, ADENOMATOUS INTESTINAL; FAMILIAL ADENOMATOUS POLYPOSIS 1, ATTENUATED. Identifiers: MedGen C2713442, MONDO:0021056, OMIM 175100. Disease mechanism: loss of function.

Submissions (2):

Labcorp Genetics (formerly Invitae), Labcorp
Classification: Uncertain significance for Familial adenomatous polyposis 1. Last evaluated: 2024-06-25. Review status: criteria provided, single submitter. Criteria: Invitae Variant Classification Sherloc (09022015). Collection method: clinical testing. Allele origin: germline.
Comment: This sequence change replaces aspartic acid, which is acidic and polar, with valine, which is neutral and non-polar, at codon 990 of the APC protein (p.Asp990Val). This variant is not present in population databases (gnomAD no frequency). This variant has not been reported in the literature in individuals affected with APC-related conditions. ClinVar contains an entry for this variant (Variation ID: 1798248). Advanced modeling of protein sequence and biophysical properties (such as structural, functional, and spatial information, amino acid conservation, physicochemical variation, residue mobility, and thermodynamic stability) performed at Invitae indicates that this missense variant is not expected to disrupt APC protein function with a negative predictive value of 95%. In summary, the available evidence is currently insufficient to determine the role of this variant in disease. Therefore, it has been classified as a Variant of Uncertain Significance.

Ambry Genetics
Classification: Uncertain significance for Hereditary cancer-predisposing syndrome. Last evaluated: 2022-07-23. Review status: criteria provided, single submitter. Criteria: Ambry Variant Classification Scheme 2023. Collection method: clinical testing. Allele origin: germline.
Comment: The p.D990V variant (also known as c.2969A>T), located in coding exon 15 of the APC gene, results from an A to T substitution at nucleotide position 2969. The aspartic acid at codon 990 is replaced by valine, an amino acid with highly dissimilar properties. This amino acid position is conserved. In addition, in silico predictors for this gene do not accurately predict pathogenicity. Since supporting evidence is limited at this time, the clinical significance of this alteration remains unclear.